The following is an entry in ClinVar:

ClinVar aggregate classification (germline): Likely pathogenic (0 of 4 stars; one submission).

Conditions:
Neurodevelopmental disorder with hypotonia and variable intellectual and behavioral abnormalities. Identifiers: MedGen C5231423, MONDO:0032829, OMIM 618603.

Submission:

Department of Rehabilitation, Anhui Provincial Children's Hospital
Classification: Likely pathogenic for Neurodevelopmental disorder with hypotonia and variable intellectual and behavioral abnormalities. Last evaluated: 2023-01-09. Review status: no assertion criteria provided. Collection method: clinical testing. Allele origin: de novo. Affected: yes.
Comment: This variant occurs more frequently in affected individuals than in control populations. It is absent from population frequency databases such as gnomAD.

NM_001482.3(GATM):c.609C>A (p.Tyr203Ter)

Gene: GATM (glycine amidinotransferase; minus strand). Cytogenetic location: 15q21.1.
Variant type: single nucleotide variant.
Coding change: c.609C>A on transcript NM_001482.3 (MANE Select); coding-DNA position 609, C replaced by A.
Protein change: p.Tyr203Ter; replaces tyrosine 203 with a stop codon.
Molecular consequence: nonsense.
Genome position (GRCh38, 1-based): chr15:45,368,136, G>T on the plus strand (C>A on the coding strand, the complement: GATM is on the minus strand). VCF-style: chr15-45368136-G-T. GRCh37 (hg19) VCF-style: chr15-45660334-G-T.
Other names: c.222C>A, p.Tyr74Ter (NM_001321015.2); short protein forms Y203*, Y74*.
Identifiers: ClinVar variation 3900677 (VCV003900677.1).
Genomic context (GRCh38, chr15:45,368,136, plus strand): 5'-ATAAAGCTCATCAGCCATTGTGGGCTTAGGAGCTGTTGTCCACTTGGCGCCACGGTGGAA[G>T]TAGTCTTTGATAATTGACCTGTACGCTCGGTACTCAAAGAAGCGTGAACGCCATGCCATG-3'